The following is an entry in ClinVar:

ClinVar aggregate classification (germline): Uncertain significance (1 of 4 stars; one submission).

Conditions:
Familial adenomatous polyposis 1 (FAP1). Also called: FAMILIAL ADENOMATOUS POLYPOSIS 1, ATTENUATED; POLYPOSIS, ADENOMATOUS INTESTINAL. Identifiers: MedGen C2713442, MONDO:0021056, OMIM 175100. Disease mechanism: loss of function.

Submission:

Labcorp Genetics (formerly Invitae), Labcorp
Classification: Uncertain significance for Familial adenomatous polyposis 1. Last evaluated: 2018-05-30. Review status: criteria provided, single submitter. Criteria: Invitae Variant Classification Sherloc (09022015). Collection method: clinical testing. Allele origin: germline.
Comment: In summary, the available evidence is currently insufficient to determine the role of this variant in disease. Therefore, it has been classified as a Variant of Uncertain Significance. Algorithms developed to predict the effect of missense changes on protein structure and function (SIFT, PolyPhen-2, Align-GVGD) all suggest that this variant is likely to be tolerated, but these predictions have not been confirmed by published functional studies and their clinical significance is uncertain. This variant has not been reported in the literature in individuals with APC-related disease. This variant is not present in population databases (ExAC no frequency). This sequence change replaces proline with alanine at codon 950 of the APC protein (p.Pro950Ala). The proline residue is highly conserved and there is a small physicochemical difference between proline and alanine.

NM_000038.6(APC):c.2848C>G (p.Pro950Ala)

Gene: APC (APC regulator of Wnt signaling pathway; plus strand). Cytogenetic location: 5q22.2.
Variant type: single nucleotide variant.
Coding change: c.2848C>G on transcript NM_000038.6 (MANE Select); coding-DNA position 2848, C replaced by G.
Protein change: p.Pro950Ala; replaces proline 950 with alanine.
Molecular consequence: missense variant.
Genome position (GRCh38, 1-based): chr5:112,838,442, C>G. VCF-style: chr5-112838442-C-G. GRCh37 (hg19) VCF-style: chr5-112174139-C-G.
Other names: c.2848C>G, p.Pro950Ala (NM_001127510.3, NM_001354895.2); c.2794C>G, p.Pro932Ala (NM_001127511.3); c.2902C>G, p.Pro968Ala (NM_001354896.2); c.2878C>G, p.Pro960Ala (NM_001354897.2); c.2773C>G, p.Pro925Ala (NM_001354898.2); c.2764C>G, p.Pro922Ala (NM_001354899.2); c.2725C>G, p.Pro909Ala (NM_001354900.2); c.2671C>G, p.Pro891Ala (NM_001354901.2); and 5 more; short protein forms P667A, P790A, P824A, P849A, P859A, P891A, P909A, P922A.
Identifiers: ClinVar variation 1006403 (VCV001006403.10), dbSNP rs1114167581, ClinGen allele CA16027543.